The following is an entry in ClinVar:

ClinVar aggregate classification (germline): Uncertain significance (1 of 4 stars; one submission).

Submission:

GeneDx
Classification: Uncertain significance. Last evaluated: 2024-03-17. Review status: criteria provided, single submitter. Criteria: GeneDx Variant Classification Process June 2021. Collection method: clinical testing. Allele origin: germline. Affected: yes.
Comment: Not observed at significant frequency in large population cohorts (gnomAD); Nonsense variant predicted to result in protein truncation as the last 285 amino acids are lost, although loss-of-function variants have not been reported downstream of this position in the protein; Has not been previously published as pathogenic or benign to our knowledge

NM_001079843.3(CASZ1):c.4425C>A (p.Tyr1475Ter)

Gene: CASZ1 (castor zinc finger 1; minus strand). Cytogenetic location: 1p36.22.
Variant type: single nucleotide variant.
Coding change: c.4425C>A on transcript NM_001079843.3 (MANE Select); coding-DNA position 4425, C replaced by A.
Protein change: p.Tyr1475Ter; replaces tyrosine 1475 with a stop codon.
Molecular consequence: nonsense.
Genome position (GRCh38, 1-based): chr1:10,639,797, G>T on the plus strand (C>A on the coding strand, the complement: CASZ1 is on the minus strand). VCF-style: chr1-10639797-G-T. GRCh37 (hg19) VCF-style: chr1-10699854-G-T.
Other names: short protein forms Y1475*.
Identifiers: ClinVar variation 3371094 (VCV003371094.1).